The following is an entry in ClinVar:

NM_000492.4(CFTR):c.1384G>A (p.Ala462Thr)

Genes: CFTR (CF transmembrane conductance regulator; plus strand), CFTR-AS1 (CFTR antisense RNA 1; minus strand). Cytogenetic location: 7q31.2.
Variant type: single nucleotide variant.
Coding change: c.1384G>A on transcript NM_000492.4 (MANE Select); coding-DNA position 1384, G replaced by A.
Protein change: p.Ala462Thr; replaces alanine 462 with threonine.
Molecular consequence: missense variant.
Genome position (GRCh38, 1-based): chr7:117,548,815, G>A. VCF-style: chr7-117548815-G-A. GRCh37 (hg19) VCF-style: chr7-117188869-G-A.
Other names: short protein forms A462T.
Identifiers: ClinVar variation 1000823 (VCV001000823.9), dbSNP rs1799216405, ClinGen allele CA368982559.
Genomic context (GRCh38, chr7:117,548,815, plus strand): 5'-AAAGATATTAATTTCAAGATAGAAAGAGGACAGTTGTTGGCGGTTGCTGGATCCACTGGA[G>A]CAGGCAAGGTAGTTCTTTTGTTCTTCACTATTAAGAACTTAATTTGGTGTCCATGTCTCT-3'
Protein context (NP_000483.3, residues 452-472): QLLAVAGSTG[Ala462Thr]GKTSLLMVIM

ClinVar aggregate classification (germline): Uncertain significance. Review status: criteria provided, single submitter (1 of 4 stars). 2 submissions from 2 submitters: Uncertain significance (1). 1 of the submissions does not count toward it. Last evaluated 2023-09-12.

Conditions:
CFTR-related disorder (CFTR-RD). Also called: CFTR-related disorders; CFTR-related condition. Identifiers: MedGen C5924204, MONDO:7770004.
Cystic fibrosis (CF). Also called: MUCOVISCIDOSIS. Identifiers: Orphanet 586, MedGen C0010674, MONDO:0009061, OMIM 219700. Disease mechanism: loss of function.

Submissions (2):

Labcorp Genetics (formerly Invitae), Labcorp
Classification: Uncertain significance for Cystic fibrosis. Last evaluated: 2023-09-12. Review status: criteria provided, single submitter. Criteria: Invitae Variant Classification Sherloc (09022015). Collection method: clinical testing. Allele origin: germline.
Comment: In summary, the available evidence is currently insufficient to determine the role of this variant in disease. Therefore, it has been classified as a Variant of Uncertain Significance. Advanced modeling of protein sequence and biophysical properties (such as structural, functional, and spatial information, amino acid conservation, physicochemical variation, residue mobility, and thermodynamic stability) has been performed at Invitae for this missense variant, however the output from this modeling did not meet the statistical confidence thresholds required to predict the impact of this variant on CFTR protein function. ClinVar contains an entry for this variant (Variation ID: 1000823). This variant has not been reported in the literature in individuals affected with CFTR-related conditions. This variant is not present in population databases (gnomAD no frequency). This sequence change replaces alanine, which is neutral and non-polar, with threonine, which is neutral and polar, at codon 462 of the CFTR protein (p.Ala462Thr).

Natera, Inc.
Classification: Uncertain significance for CFTR-related disorders. Last evaluated: 2021-07-26. Review status: no assertion criteria provided. Collection method: clinical testing. Allele origin: germline. Not counted in ClinVar's aggregate classification.